The following is an entry in ClinVar:

NM_001367561.1(DOCK7):c.5475C>G (p.Phe1825Leu)

Gene: DOCK7 (dedicator of cytokinesis 7; minus strand). Cytogenetic location: 1p31.3.
Variant type: single nucleotide variant.
Coding change: c.5475C>G on transcript NM_001367561.1 (MANE Select); coding-DNA position 5475, C replaced by G.
Protein change: p.Phe1825Leu; replaces phenylalanine 1825 with leucine.
Molecular consequence: missense variant.
Genome position (GRCh38, 1-based): chr1:62,488,952, G>C on the plus strand (C>G on the coding strand, the complement: DOCK7 is on the minus strand). VCF-style: chr1-62488952-G-C. GRCh37 (hg19) VCF-style: chr1-62954623-G-C.
Other names: c.5448C>G, p.Phe1816Leu (NM_001271999.2, NM_001330614.2); c.5355C>G, p.Phe1785Leu (NM_001272000.2, NM_001272001.2); c.5382C>G, p.Phe1794Leu (NM_033407.4); short protein forms F1794L, F1816L, F1825L, F1785L.
Identifiers: ClinVar variation 2037398 (VCV002037398.4), dbSNP rs1646377691, ClinGen allele CA340608686.
Genomic context (GRCh38, chr1:62,488,952, plus strand): 5'-GTTTTTTCCCTTTATAGTGAAGCTAGAAATTGGAATCATTACCTGATGAACAATTTTGCT[G>C]AATGCTTCTTGAAGTTTACCATGAATTGTGGATAGTTTCTTTGCATCCCGATTAGCTTCA-3'
Protein context (NP_001354490.1, residues 1815-1835): STIHGKLQEA[Phe1825Leu]SKIVHQSTGW

ClinVar aggregate classification (germline): Uncertain significance (1 of 4 stars; one submission).

Conditions:
Developmental and epileptic encephalopathy, 23 (DEE23). Also called: Epileptic encephalopathy, early infantile, 23. Identifiers: Orphanet 411986, MedGen C4014492, MONDO:0014371, OMIM 615859.

Allele frequency attached by ClinVar (database versions not stated): gnomAD exomes below 0.00001; gnomAD 0.00001.
gnomAD v4.1: 2 of 1,613,560 alleles (0.00012%); highest among the groups gnomAD compares: African/African-American, 0.0027%; no homozygotes.

Submission:

Labcorp Genetics (formerly Invitae), Labcorp
Classification: Uncertain significance for Developmental and epileptic encephalopathy, 23. Last evaluated: 2022-06-08. Review status: criteria provided, single submitter. Criteria: Invitae Variant Classification Sherloc (09022015). Collection method: clinical testing. Allele origin: germline.
Comment: This sequence change replaces phenylalanine, which is neutral and non-polar, with leucine, which is neutral and non-polar, at codon 1816 of the DOCK7 protein (p.Phe1816Leu). This variant is not present in population databases (gnomAD no frequency). This variant has not been reported in the literature in individuals affected with DOCK7-related conditions. Algorithms developed to predict the effect of missense changes on protein structure and function are either unavailable or do not agree on the potential impact of this missense change (SIFT: "Tolerated"; PolyPhen-2: "Possibly Damaging"; Align-GVGD: "Class C0"). In summary, the available evidence is currently insufficient to determine the role of this variant in disease. Therefore, it has been classified as a Variant of Uncertain Significance.